The following is an entry in ClinVar:

NM_003072.5(SMARCA4):c.1419+5dup

Gene: SMARCA4 (SWI/SNF related BAF chromatin remodeling complex subunit ATPase 4; plus strand). Cytogenetic location: 19p13.2.
Variant type: Duplication.
Coding change: c.1419+5dup on transcript NM_003072.5 (MANE Select); 5 bases into the intron after coding-DNA position 1419, one base duplicated (G; older notation c.1419+5dupG).
Molecular consequence: intron variant.
Genome position (GRCh38, 1-based): chr19:10,991,328, G duplicated. VCF-style (leftmost placement, unchanged base first): chr19-10991327-C-CG. GRCh37 (hg19) VCF-style: chr19-11102003-C-CG.
Other names: c.1419+5dup (NM_001128844.3, NM_001128849.3, NM_001128847.4 and 6 more transcripts).
Identifiers: ClinVar variation 2717133 (VCV002717133.3), dbSNP rs2514153669, ClinGen allele CA2697556224.
Genomic context (GRCh38, chr19:10,991,327, plus strand): 5'-AAGCTGGAGAAGCAGCAGAAGATCGAGCAGGAGCGCAAGCGCCGGCAGAAGCACCAGGTA[C>CG]GCTCCGGTGGCCCCAAGGCCCTGCAGCCCGCCCACCTGGCTGCCTGGCTTGTCCAGCGGT-3'

ClinVar aggregate classification (germline): Uncertain significance (1 of 4 stars; one submission).

Conditions:
Rhabdoid tumor predisposition syndrome 2 (RTPS2). Identifiers: Orphanet 231108, Orphanet 69077, MedGen C2750074, MONDO:0013224, OMIM 613325.

Submission:

Labcorp Genetics (formerly Invitae), Labcorp
Classification: Uncertain significance for Rhabdoid tumor predisposition syndrome 2. Last evaluated: 2023-06-16. Review status: criteria provided, single submitter. Criteria: Invitae Variant Classification Sherloc (09022015). Collection method: clinical testing. Allele origin: germline.
Comment: In summary, the available evidence is currently insufficient to determine the role of this variant in disease. Therefore, it has been classified as a Variant of Uncertain Significance. Variants that disrupt the consensus splice site are a relatively common cause of aberrant splicing (PMID: 17576681, 9536098). Algorithms developed to predict the effect of sequence changes on RNA splicing suggest that this variant is not likely to affect RNA splicing. This variant has not been reported in the literature in individuals affected with SMARCA4-related conditions. This variant is not present in population databases (gnomAD no frequency). This sequence change falls in intron 8 of the SMARCA4 gene. It does not directly change the encoded amino acid sequence of the SMARCA4 protein. It affects a nucleotide within the consensus splice site.

Literature cited by the submitters: PubMed 17576681; PubMed 9536098.